The following is an entry in ClinVar:

ClinVar aggregate classification (germline): Pathogenic (1 of 4 stars; one submission).

Conditions:
Joubert syndrome and related disorders. Identifiers: Orphanet 140874, MedGen C5679612, MONDO:0015369.

Submission:

Myriad Genetics, Inc.
Classification: Pathogenic for Joubert syndrome and related disorders. Last evaluated: 2026-04-14. Review status: criteria provided, single submitter. Criteria: Myriad Autosomal Dominant, Autosomal Recessive and X-Linked Classification Criteria (2023). Collection method: clinical testing. Allele origin: unknown.
Comment: NM_001080522.2(CC2D2A):c.1848delT(V617*) is a nonsense variant classified as pathogenic in the context of CC2D2A-related disorders. V617* has not been observed in cases with relevant disease. Relevant functional assessments of this variant are not available in the literature. V617* has not been observed in referenced population frequency databases. In summary, NM_001080522.2(CC2D2A):c.1848delT(V617*) is a nonsense variant in a gene where loss of function is a known mechanism of disease and is predicted to disrupt protein function. Please note: this variant was assessed in the context of healthy population screening.

NM_001378615.1(CC2D2A):c.1848del (p.Leu616_Val617insTer)

Genes: CC2D2A (coiled-coil and C2 domain containing 2A; plus strand), FBXL5 (F-box and leucine rich repeat protein 5; minus strand). Cytogenetic location: 4p15.32.
Variant type: Deletion.
Coding change: c.1848del on transcript NM_001378615.1 (MANE Select); coding-DNA position 1848, one base deleted (T; older notation c.1848delT).
Protein change: p.Leu616_Val617insTer.
Molecular consequence: frameshift variant.
Genome position (GRCh38, 1-based): chr4:15,537,982, T deleted; the last of 2 consecutive T bases (chr4:15,537,981-15,537,982); deleting either gives the same sequence. VCF-style (leftmost placement, unchanged base first): chr4-15537980-CT-C. GRCh37 (hg19) VCF-style: chr4-15539603-CT-C.
Other names: c.1848del, p.Leu616_Val617insTer (NM_001080522.2); c.1701del, p.Leu567_Val568insTer (NM_001378617.1).
Identifiers: ClinVar variation 5004603 (VCV005004603.1).